The following is an entry in ClinVar:

ClinVar aggregate classification (germline): Uncertain significance. Review status: criteria provided, multiple submitters, no conflicts (2 of 4 stars). 2 submissions from 2 submitters: Uncertain significance (2). Last evaluated 2025-03-07.

Conditions:
POLD1-related polyposis and colorectal cancer syndrome (CRCS10). Also called: Colorectal cancer, susceptibility to, 10; Colorectal cancer 10; COLORECTAL CANCER, SUSCEPTIBILITY TO, ON CHROMOSOME 19q. Identifiers: Orphanet 220460, MedGen C2675481, MONDO:0012953, OMIM 612591.
Hereditary cancer-predisposing syndrome. Also called: Hereditary neoplastic syndrome; Tumor predisposition; Hereditary Cancer Syndrome; Neoplastic Syndromes, Hereditary. Identifiers: Orphanet 140162, MedGen C0027672, MeSH D009386, MONDO:0015356.

Submissions (2):

Ambry Genetics
Classification: Uncertain significance for Hereditary cancer-predisposing syndrome. Last evaluated: 2025-03-07. Review status: criteria provided, single submitter. Criteria: Ambry Variant Classification Scheme 2023. Collection method: clinical testing. Allele origin: germline.
Comment: The p.R833L variant (also known as c.2498G>T), located in coding exon 19 of the POLD1 gene, results from a G to T substitution at nucleotide position 2498. The arginine at codon 833 is replaced by leucine, an amino acid with dissimilar properties. This amino acid position is conserved. In addition, this alteration is predicted to be deleterious by in silico analysis. Based on the available evidence, the clinical significance of this variant remains unclear.

Labcorp Genetics (formerly Invitae), Labcorp
Classification: Uncertain significance for POLD1-related polyposis and colorectal cancer syndrome. Last evaluated: 2018-09-19. Review status: criteria provided, single submitter. Criteria: Invitae Variant Classification Sherloc (09022015). Collection method: clinical testing. Allele origin: germline.
Comment: In summary, the available evidence is currently insufficient to determine the role of this variant in disease. Therefore, it has been classified as a Variant of Uncertain Significance. Algorithms developed to predict the effect of missense changes on protein structure and function are either unavailable or do not agree on the potential impact of this missense change (SIFT: "Deleterious"; PolyPhen-2: "Possibly Damaging"; Align-GVGD: "Class C0"). This variant has not been reported in the literature in individuals with POLD1-related disease. This variant is not present in population databases (ExAC no frequency). This sequence change replaces arginine with leucine at codon 833 of the POLD1 protein (p.Arg833Leu). The arginine residue is highly conserved and there is a moderate physicochemical difference between arginine and leucine.

NM_002691.4(POLD1):c.2498G>T (p.Arg833Leu)

Gene: POLD1 (DNA polymerase delta 1, catalytic subunit; plus strand). Cytogenetic location: 19q13.33.
Variant type: single nucleotide variant.
Coding change: c.2498G>T on transcript NM_002691.4 (MANE Select); coding-DNA position 2498, G replaced by T.
Protein change: p.Arg833Leu; replaces arginine 833 with leucine.
Molecular consequence: missense variant. On other transcripts: non-coding transcript variant (1).
Genome position (GRCh38, 1-based): chr19:50,414,924, G>T. VCF-style: chr19-50414924-G-T. GRCh37 (hg19) VCF-style: chr19-50918181-G-T.
Other names: c.2498G>T, p.Arg833Leu (NM_001256849.1); c.2576G>T, p.Arg859Leu (NM_001308632.1); c.2498G>T (NM_002691.2); short protein forms R833L, R859L.
Identifiers: ClinVar variation 659159 (VCV000659159.9), dbSNP rs1601241246, ClinGen allele CA406985124.